The following is an entry in ClinVar:

ClinVar aggregate classification (germline): Uncertain significance (1 of 4 stars; one submission).

Conditions:
Mitochondrial complex II deficiency, nuclear type 1. Also called: SUCCINATE CoQ REDUCTASE DEFICIENCY. Identifiers: Orphanet 3208, MedGen C5700310, MONDO:0100294, OMIM 252011.
Pheochromocytoma/paraganglioma syndrome 5. Also called: Paragangliomas 5; SDHA-Related Hereditary Paraganglioma-Pheochromocytoma Syndrome. Identifiers: Orphanet 29072, MedGen C3279992, MONDO:0013602, OMIM 614165.

Submission:

Labcorp Genetics (formerly Invitae), Labcorp
Classification: Uncertain significance for Pheochromocytoma/paraganglioma syndrome 5; Mitochondrial complex II deficiency, nuclear type 1. Last evaluated: 2023-12-30. Review status: criteria provided, single submitter. Criteria: Invitae Variant Classification Sherloc (09022015). Collection method: clinical testing. Allele origin: germline.
Comment: This sequence change replaces asparagine, which is neutral and polar, with serine, which is neutral and polar, at codon 521 of the SDHA protein (p.Asn521Ser). This variant is not present in population databases (gnomAD no frequency). This variant has not been reported in the literature in individuals affected with SDHA-related conditions. Advanced modeling of protein sequence and biophysical properties (such as structural, functional, and spatial information, amino acid conservation, physicochemical variation, residue mobility, and thermodynamic stability) performed at Invitae indicates that this missense variant is not expected to disrupt SDHA protein function with a negative predictive value of 95%. In summary, the available evidence is currently insufficient to determine the role of this variant in disease. Therefore, it has been classified as a Variant of Uncertain Significance.

NM_004168.4(SDHA):c.1562A>G (p.Asn521Ser)

Gene: SDHA (succinate dehydrogenase complex flavoprotein subunit A; plus strand). Cytogenetic location: 5p15.33.
Variant type: single nucleotide variant.
Coding change: c.1562A>G on transcript NM_004168.4 (MANE Select); coding-DNA position 1562, A replaced by G.
Protein change: p.Asn521Ser; replaces asparagine 521 with serine.
Molecular consequence: missense variant. On other transcripts: intron variant (1).
Genome position (GRCh38, 1-based): chr5:251,002, A>G. VCF-style: chr5-251002-A-G. GRCh37 (hg19) VCF-style: chr5-251117-A-G.
Other names: c.1418A>G, p.Asn473Ser (NM_001294332.2); c.1552-3391A>G (NM_001330758.2); short protein forms N521S, N473S.
Identifiers: ClinVar variation 2933552 (VCV002933552.3), dbSNP rs2477454318, ClinGen allele CA358998429.